The following is an entry in ClinVar:

ClinVar aggregate classification (germline): Uncertain significance (1 of 4 stars; one submission).

Conditions:
Left ventricular noncompaction 8 (LVNC8). Identifiers: Orphanet 154, Orphanet 54260, MedGen C3809288, MONDO:0014152, OMIM 615373.

gnomAD v4.1: 8 of 1,611,712 alleles (0.0005%); highest among the groups gnomAD compares: South Asian, 0.0033%; no homozygotes.

Submission:

Labcorp Genetics (formerly Invitae), Labcorp
Classification: Uncertain significance for Left ventricular noncompaction 8. Last evaluated: 2024-07-21. Review status: criteria provided, single submitter. Criteria: Invitae Variant Classification Sherloc (09022015). Collection method: clinical testing. Allele origin: germline.
Comment: This sequence change replaces arginine, which is basic and polar, with tryptophan, which is neutral and slightly polar, at codon 288 of the PRDM16 protein (p.Arg288Trp). This variant is present in population databases (rs529647877, gnomAD 0.006%). This variant has not been reported in the literature in individuals affected with PRDM16-related conditions. An algorithm developed to predict the effect of missense changes on protein structure and function (PolyPhen-2) suggests that this variant is likely to be disruptive. In summary, the available evidence is currently insufficient to determine the role of this variant in disease. Therefore, it has been classified as a Variant of Uncertain Significance.

NM_022114.4(PRDM16):c.862C>T (p.Arg288Trp)

Gene: PRDM16 (PR/SET domain 16; plus strand). Cytogenetic location: 1p36.32.
Variant type: single nucleotide variant.
Coding change: c.862C>T on transcript NM_022114.4 (MANE Select); coding-DNA position 862, C replaced by T.
Protein change: p.Arg288Trp; replaces arginine 288 with tryptophan.
Molecular consequence: missense variant.
Genome position (GRCh38, 1-based): chr1:3,402,976, C>T. VCF-style: chr1-3402976-C-T. GRCh37 (hg19) VCF-style: chr1-3319540-C-T.
Other names: c.862C>T, p.Arg288Trp (NM_199454.3); short protein forms R288W.
Identifiers: ClinVar variation 3611548 (VCV003611548.2).